The following is an entry in ClinVar:

NM_000051.4(ATM):c.6741T>G (p.Ile2247Met)

Genes: ATM (ATM serine/threonine kinase; plus strand), C11orf65 (chromosome 11 open reading frame 65; minus strand). Cytogenetic location: 11q22.3.
Variant type: single nucleotide variant.
Coding change: c.6741T>G on transcript NM_000051.4 (MANE Select); coding-DNA position 6741, T replaced by G.
Protein change: p.Ile2247Met; replaces isoleucine 2247 with methionine.
Molecular consequence: missense variant. On other transcripts: intron variant (2).
Genome position (GRCh38, 1-based): chr11:108,325,478, T>G. VCF-style: chr11-108325478-T-G. GRCh37 (hg19) VCF-style: chr11-108196205-T-G.
Other names: c.*38+9742A>C (NM_001351110.2); c.6741T>G, p.Ile2247Met (NM_001351834.2); c.641-16407A>C (NM_001330368.2); short protein forms I2247M.
Identifiers: ClinVar variation 230515 (VCV000230515.73), dbSNP rs876658607, ClinGen allele CA10579232.

ClinVar aggregate classification (germline): Conflicting classifications of pathogenicity. Review status: criteria provided, conflicting classifications (1 of 4 stars). 8 submissions from 8 submitters: Uncertain significance (6); Likely benign (1). 1 of the submissions does not count toward it. Last evaluated 2025-10-31.

Conditions:
Hereditary cancer-predisposing syndrome. Also called: Neoplastic Syndromes, Hereditary; Hereditary neoplastic syndrome; Tumor predisposition; Hereditary Cancer Syndrome. Identifiers: Orphanet 140162, MedGen C0027672, MeSH D009386, MONDO:0015356.
Familial cancer of breast. Also called: hereditary breast carcinoma; Hereditary breast cancer; BREAST CANCER, FAMILIAL. Identifiers: Orphanet 227535, MedGen C0346153, MONDO:0016419, OMIM 114480. Disease mechanism: loss of function.
Ataxia-telangiectasia syndrome (AT). Also called: Ataxia telangiectasia (A-T); Cerebello-oculocutaneous telangiectasia; Immunodeficiency with ataxia telangiectasia; LOUIS-BAR SYNDROME; AT, COMPLEMENTATION GROUP C; ATAXIA-TELANGIECTASIA, FRESNO VARIANT. Identifiers: Orphanet 100, MedGen C0004135, MONDO:0008840, OMIM 208900.

Allele frequency attached by ClinVar (database versions not stated): gnomAD exomes 0.00001; gnomAD 0.00001; TOPMed 0.00001.
gnomAD v4.1: 9 of 1,613,590 alleles (0.00056%); highest among the groups gnomAD compares: South Asian, 0.0033%; no homozygotes.

Submissions (8):

Ambry Genetics
Classification: Likely benign for Hereditary cancer-predisposing syndrome. Last evaluated: 2025-10-31. Review status: criteria provided, single submitter. Criteria: Ambry Variant Classification Scheme 2023. Collection method: clinical testing. Allele origin: germline.

Labcorp Genetics (formerly Invitae), Labcorp
Classification: Uncertain significance for Ataxia-telangiectasia syndrome. Last evaluated: 2025-10-27. Review status: criteria provided, single submitter. Criteria: Invitae Variant Classification Sherloc (09022015). Collection method: clinical testing. Allele origin: germline.
Comment: This sequence change replaces isoleucine, which is neutral and non-polar, with methionine, which is neutral and non-polar, at codon 2247 of the ATM protein (p.Ile2247Met). This variant is present in population databases (no rsID available, gnomAD 0.002%). This missense change has been observed in individual(s) with breast cancer (PMID: 25186627). ClinVar contains an entry for this variant (Variation ID: 230515). Invitae Evidence Modeling of protein sequence and biophysical properties (such as structural, functional, and spatial information, amino acid conservation, physicochemical variation, residue mobility, and thermodynamic stability) indicates that this missense variant is not expected to disrupt ATM protein function with a negative predictive value of 95%. In summary, the available evidence is currently insufficient to determine the role of this variant in disease. Therefore, it has been classified as a Variant of Uncertain Significance.

Color Diagnostics, LLC DBA Color Health
Classification: Uncertain significance for Hereditary cancer-predisposing syndrome. Last evaluated: 2024-06-03. Review status: criteria provided, single submitter. Criteria: ACMG Guidelines, 2015. Collection method: clinical testing. Allele origin: germline.
Comment: This missense variant replaces isoleucine with methionine at codon 2247 of the ATM protein. Computational prediction tool suggests that this variant may not impact protein structure and function. To our knowledge, functional studies have not been performed for this variant. This variant has been reported in individuals affected with breast cancer (PMID: 25186627). This variant has also been identified in 2/250806 chromosomes in the general population by the Genome Aggregation Database (gnomAD). The available evidence is insufficient to determine the role of this variant in disease conclusively. Therefore, this variant is classified as a Variant of Uncertain Significance.

Baylor Genetics
Classification: Uncertain significance for Familial cancer of breast. Last evaluated: 2024-01-26. Review status: criteria provided, single submitter. Criteria: ACMG Guidelines, 2015. Collection method: clinical testing. Allele origin: unknown.

Women's Health and Genetics/Laboratory Corporation of America, LabCorp
Classification: Uncertain significance. Last evaluated: 2023-01-06. Review status: criteria provided, single submitter. Criteria: LabCorp Variant Classification Summary - May 2015. Collection method: clinical testing. Allele origin: germline.
Comment: Variant summary: ATM c.6741T>G (p.Ile2247Met) results in a conservative amino acid change located in the PIK-related kinase domain (IPR014009) of the encoded protein sequence. Four of five in-silico tools predict a benign effect of the variant on protein function. The variant allele was found at a frequency of 8e-06 in 250806 control chromosomes (gnomAD). The available data on variant occurrences in the general population are insufficient to allow any conclusion about variant significance. c.6741T>G has been reported in the literature in an individual affected with Breast Cancer, co-occurring with a CHEK2 pathogenic variant (c.1100delC, p.Thr367MetfsX15) (Tung_2014). These report(s) do not provide unequivocal conclusions about association of the variant with Breast Cancer. To our knowledge, no experimental evidence demonstrating an impact on protein function has been reported. Six ClinVar submitters (evaluation after 2014) cite the variant as uncertain significance. Based on the evidence outlined above, the variant was classified as uncertain significance.

GeneDx
Classification: Uncertain significance. Last evaluated: 2021-10-04. Review status: criteria provided, single submitter. Criteria: GeneDx Variant Classification Process June 2021. Collection method: clinical testing. Allele origin: germline. Affected: yes.
Comment: Not observed at significant frequency in large population cohorts (Lek 2016); In silico analysis supports that this missense variant does not alter protein structure/function; Observed in individuals with breast cancer (Tung 2015); This variant is associated with the following publications: (PMID: 23532176, 25186627)

Fulgent Genetics
Classification: Uncertain significance for Familial cancer of breast; Ataxia-telangiectasia syndrome. Last evaluated: 2018-10-31. Review status: criteria provided, single submitter. Criteria: ACMG Guidelines, 2015. Collection method: clinical testing. Allele origin: unknown.

Natera, Inc.
Classification: Uncertain significance for Ataxia-telangiectasia. Last evaluated: 2020-02-11. Review status: no assertion criteria provided. Collection method: clinical testing. Allele origin: germline. Not counted in ClinVar's aggregate classification.

Literature cited by the submitters: PubMed 25186627 (cited by 4 submitters); PubMed 40580951 (cited by Ambry Genetics).